The following is an entry in ClinVar:

ClinVar aggregate classification (germline): Conflicting classifications of pathogenicity. Review status: criteria provided, conflicting classifications (1 of 4 stars). 3 submissions from 3 submitters: Uncertain significance (1); Likely benign (1). 1 of the submissions does not count toward it. Last evaluated 2026-01-23.

Conditions:
Kindler syndrome (KNDLRS). Also called: BULLOUS ACROKERATOTIC POIKILODERMA OF KINDLER AND WEARY; POIKILODERMA, CONGENITAL, WITH BULLAE, WEARY TYPE; POIKILODERMA, HEREDITARY ACROKERATOTIC; Hereditary acrokeratotic poikiloderma of Weary; Poikiloderma of Kindler; Congenital bullous poikiloderma. Identifiers: Orphanet 2908, Orphanet 306539, MedGen C0406557, MONDO:0008260, OMIM 173650.
FERMT1-related disorder. Also called: FERMT1-related condition.

Allele frequency attached by ClinVar (database versions not stated): ESP Exome Variant Server 0.00008; gnomAD 0.00019 and 0.00023; TOPMed 0.00023; gnomAD exomes 0.00026 and 0.00031; ExAC 0.00027; 1000 Genomes Project 0.00040; 1000 Genomes Project 30x 0.00078.
gnomAD v4.1: 443 of 1,608,780 alleles (0.028%); highest among the groups gnomAD compares: Middle Eastern, 0.77%; 6 homozygotes.

Submissions (3):

Labcorp Genetics (formerly Invitae), Labcorp
Classification: Likely benign. Last evaluated: 2026-01-23. Review status: criteria provided, single submitter. Criteria: Invitae Variant Classification Sherloc (09022015). Collection method: clinical testing. Allele origin: germline.

Illumina Laboratory Services, Illumina
Classification: Uncertain significance for Kindler syndrome. Last evaluated: 2018-01-12. Review status: criteria provided, single submitter. Criteria: ICSL Variant Classification Criteria 13 December 2019. Collection method: clinical testing. Allele origin: germline.

PreventionGenetics, part of Exact Sciences
Classification: Likely benign for FERMT1-related condition. Last evaluated: 2019-07-26. Review status: no assertion criteria provided. Collection method: clinical testing. Allele origin: germline. Not counted in ClinVar's aggregate classification.
Comment: This variant is classified as likely benign based on ACMG/AMP sequence variant interpretation guidelines (Richards et al. 2015 PMID: 25741868, with internal and published modifications).

NM_017671.5(FERMT1):c.1594-6G>A

Gene: FERMT1 (FERM domain containing kindlin 1; minus strand). Cytogenetic location: 20p12.3.
Variant type: single nucleotide variant.
Coding change: c.1594-6G>A on transcript NM_017671.5 (MANE Select); 6 bases into the intron before coding-DNA position 1594, G replaced by A.
Molecular consequence: intron variant.
Genome position (GRCh38, 1-based): chr20:6,084,170, C>T on the plus strand (G>A on the coding strand, the complement: FERMT1 is on the minus strand). VCF-style: chr20-6084170-C-T. GRCh37 (hg19) VCF-style: chr20-6064817-C-T.
Identifiers: ClinVar variation 339212 (VCV000339212.15), dbSNP rs6053893, ClinGen allele CA9758084.